The following is an entry in ClinVar:

ClinVar aggregate classification (germline): Benign (1 of 4 stars; one submission).

gnomAD v4.1: 1,037 of 1,613,900 alleles (0.064%); highest among the groups gnomAD compares: African/African-American, 1.3%; 16 homozygotes.

Submission:

CeGaT Center for Human Genetics Tuebingen
Classification: Benign. Last evaluated: 2026-04-01. Review status: criteria provided, single submitter. Criteria: CeGaT Center For Human Genetics Tuebingen Variant Classification Criteria Version 2. Collection method: clinical testing. Allele origin: germline. Affected: yes. Observed: 1 variant allele.
Comment: TEX14: BP4, BP7, BS1, BS2

NM_031272.5(TEX14):c.3057T>G (p.Leu1019=)

Gene: TEX14 (testis expressed 14, intercellular bridge forming factor; minus strand). Cytogenetic location: 17q22.
Variant type: single nucleotide variant.
Coding change: c.3057T>G on transcript NM_031272.5 (MANE Select); coding-DNA position 3057, T replaced by G.
Protein change: p.Leu1019=; no amino-acid change (leucine 1019 retained).
Molecular consequence: synonymous variant.
Genome position (GRCh38, 1-based): chr17:58,585,814, A>C on the plus strand (T>G on the coding strand, the complement: TEX14 is on the minus strand). VCF-style: chr17-58585814-A-C. GRCh37 (hg19) VCF-style: chr17-56663175-A-C.
Other names: c.3075T>G, p.Leu1025= (NM_001201457.2); c.3057T>G, p.Leu1019= (NM_198393.4).
Identifiers: ClinVar variation 4872450 (VCV004872450.2).